The following is an entry in ClinVar:

NM_181507.2(HPS5):c.179A>G (p.Gln60Arg)

Gene: HPS5 (HPS5 biogenesis of lysosomal organelles complex 2 subunit 2; minus strand). Cytogenetic location: 11p15.1.
Variant type: single nucleotide variant.
Coding change: c.179A>G on transcript NM_181507.2 (MANE Select); coding-DNA position 179, A replaced by G.
Protein change: p.Gln60Arg; replaces glutamine 60 with arginine.
Molecular consequence: missense variant. On other transcripts: 5 prime UTR variant (1).
Genome position (GRCh38, 1-based): chr11:18,311,954, T>C on the plus strand (A>G on the coding strand, the complement: HPS5 is on the minus strand). VCF-style: chr11-18311954-T-C. GRCh37 (hg19) VCF-style: chr11-18333501-T-C.
Other names: c.-164A>G (NM_007216.4, NM_181508.2); short protein forms Q60R.
Identifiers: ClinVar variation 1473971 (VCV001473971.4), dbSNP rs985068428, ClinGen allele CA218556076.

ClinVar aggregate classification (germline): Uncertain significance. Review status: criteria provided, multiple submitters, no conflicts (2 of 4 stars). 2 submissions from 2 submitters: Uncertain significance (2). Last evaluated 2023-11-14.

Conditions:
Inborn genetic diseases. Identifiers: MedGen C0950123, MeSH D030342.

Allele frequency attached by ClinVar (database versions not stated): gnomAD exomes below 0.00001; TOPMed below 0.00001; gnomAD 0.00001.
gnomAD v4.1: 5 of 1,614,014 alleles (0.00031%); highest among the groups gnomAD compares: African/African-American, 0.0067%; no homozygotes.

Submissions (2):

Ambry Genetics
Classification: Uncertain significance for Inborn genetic diseases. Last evaluated: 2023-11-14. Review status: criteria provided, single submitter. Criteria: Ambry Variant Classification Scheme 2023. Collection method: clinical testing. Allele origin: germline.

Labcorp Genetics (formerly Invitae), Labcorp
Classification: Uncertain significance. Last evaluated: 2021-08-12. Review status: criteria provided, single submitter. Criteria: Invitae Variant Classification Sherloc (09022015). Collection method: clinical testing. Allele origin: germline.
Comment: This sequence change replaces glutamine with arginine at codon 60 of the HPS5 protein (p.Gln60Arg). The glutamine residue is highly conserved and there is a small physicochemical difference between glutamine and arginine. This variant is not present in population databases (ExAC no frequency). This variant has not been reported in the literature in individuals affected with HPS5-related conditions. Algorithms developed to predict the effect of missense changes on protein structure and function are either unavailable or do not agree on the potential impact of this missense change (SIFT: "Deleterious"; PolyPhen-2: "Probably Damaging"; Align-GVGD: "Class C0"). In summary, the available evidence is currently insufficient to determine the role of this variant in disease. Therefore, it has been classified as a Variant of Uncertain Significance.